The following is an entry in ClinVar:

ClinVar aggregate classification (germline): Conflicting classifications of pathogenicity. Review status: criteria provided, conflicting classifications (1 of 4 stars). 4 submissions from 4 submitters: Uncertain significance (2); Benign (1); Likely benign (1). Last evaluated 2025-10-03.

Conditions:
Hypoparathyroidism, deafness, renal disease syndrome (HDRS). Also called: HYPOPARATHYROIDISM, SENSORINEURAL DEAFNESS, AND RENAL DYSPLASIA SYNDROME. Identifiers: Orphanet 2237, MedGen C1840333, MONDO:0007797, OMIM 146255.

Allele frequency attached by ClinVar (database versions not stated): TOPMed 0.00019; 1000 Genomes Project 30x 0.00031; 1000 Genomes Project 0.00040.
gnomAD v4.1: 452 of 1,612,286 alleles (0.028%); highest among the groups gnomAD compares: Middle Eastern, 0.31%; 2 homozygotes.

Submissions (4):

Labcorp Genetics (formerly Invitae), Labcorp
Classification: Uncertain significance. Last evaluated: 2025-10-03. Review status: criteria provided, single submitter. Criteria: Invitae Variant Classification Sherloc (09022015). Collection method: clinical testing. Allele origin: germline.
Comment: This sequence change replaces aspartic acid, which is acidic and polar, with glutamic acid, which is acidic and polar, at codon 160 of the GATA3 protein (p.Asp160Glu). This variant is present in population databases (rs143627754, gnomAD 0.06%), and has an allele count higher than expected for a pathogenic variant. This variant has not been reported in the literature in individuals affected with GATA3-related conditions. ClinVar contains an entry for this variant (Variation ID: 301121). Invitae Evidence Modeling of protein sequence and biophysical properties (such as structural, functional, and spatial information, amino acid conservation, physicochemical variation, residue mobility, and thermodynamic stability) indicates that this missense variant is not expected to disrupt GATA3 protein function with a negative predictive value of 80%. In summary, the available evidence is currently insufficient to determine the role of this variant in disease. Therefore, it has been classified as a Variant of Uncertain Significance.

Rare Kidney Stone Consortium and the Mayo Clinic Hyperoxaluria Center, Mayo Clinic
Classification: Uncertain significance for Hypoparathyroidism, deafness, renal disease syndrome. Last evaluated: 2025-10-03. Review status: criteria provided, single submitter. Criteria: ACMG Guidelines, 2015. Collection method: research. Allele origin: germline. Observed: 1 variant allele.
Comment: ACMG:PM1, PM2, BP6

Blueprint Genetics
Classification: Likely benign. Last evaluated: 2024-10-29. Review status: criteria provided, single submitter. Criteria: ACMG Guidelines, 2015. Collection method: clinical testing. Allele origin: germline.

Illumina Laboratory Services, Illumina
Classification: Benign for Hypoparathyroidism, deafness, renal disease syndrome. Last evaluated: 2018-01-13. Review status: criteria provided, single submitter. Criteria: ICSL Variant Classification Criteria 13 December 2019. Collection method: clinical testing. Allele origin: germline.
Comment: This variant was observed in the ICSL laboratory as part of a predisposition screen in an ostensibly healthy population. It had not been previously curated by ICSL or reported in the Human Gene Mutation Database (HGMD: prior to June 1st, 2018), and was therefore a candidate for classification through an automated scoring system. Utilizing variant allele frequency, disease prevalence and penetrance estimates, and inheritance mode, an automated score was calculated to assess if this variant is too frequent to cause the disease. Based on the score and internal cut-off values, a variant classified as benign is not then subjected to further curation. The score for this variant resulted in a classification of benign for this disease.

Literature cited by the submitters: PubMed 40794449 (cited by Rare Kidney Stone Consortium and the Mayo Clinic Hyperoxaluria Center, Mayo Clinic).

NM_001002295.2(GATA3):c.480C>G (p.Asp160Glu)

Gene: GATA3 (GATA binding protein 3; plus strand). Cytogenetic location: 10p14.
Variant type: single nucleotide variant.
Coding change: c.480C>G on transcript NM_001002295.2 (MANE Select); coding-DNA position 480, C replaced by G.
Protein change: p.Asp160Glu; replaces aspartic acid 160 with glutamic acid.
Molecular consequence: missense variant.
Genome position (GRCh38, 1-based): chr10:8,058,543, C>G. VCF-style: chr10-8058543-C-G. GRCh37 (hg19) VCF-style: chr10-8100506-C-G.
Other names: c.480C>G, p.Asp160Glu (NM_002051.3); short protein forms D160E.
Identifiers: ClinVar variation 301121 (VCV000301121.12), dbSNP rs143627754, ClinGen allele CA5404380.